The following is an entry in ClinVar:

ClinVar aggregate classification (germline): Benign. Review status: criteria provided, multiple submitters, no conflicts (2 of 4 stars). 3 submissions from 3 submitters: Benign (3). Last evaluated 2019-01-18.

Allele frequency attached by ClinVar (database versions not stated): ExAC 0.00767; gnomAD 0.00806 and 0.00832; gnomAD exomes 0.01049 and 0.00279; TOPMed 0.01128; 1000 Genomes Project 0.01218; 1000 Genomes Project 30x 0.01280; ESP Exome Variant Server 0.00038.

Submissions (3):

GeneDx
Classification: Benign. Last evaluated: 2019-01-18. Review status: criteria provided, single submitter. Criteria: GeneDx Variant Classification Process June 2021. Collection method: clinical testing. Allele origin: germline. Affected: yes.
Comment: This variant is associated with the following publications: (PMID: 30206226)

Labcorp Genetics (formerly Invitae), Labcorp
Classification: Benign. Last evaluated: 2018-03-30. Review status: criteria provided, single submitter. Criteria: Invitae Variant Classification Sherloc (09022015). Collection method: clinical testing. Allele origin: germline.

Breakthrough Genomics
Classification: Benign. Review status: criteria provided, single submitter. Criteria: ACMG Guidelines, 2015. Collection method: not provided. Allele origin: germline. Inheritance: Unknown mechanism. Affected: yes.

NM_003974.4(DOK2):c.1180T>G (p.Ser394Ala)

Gene: DOK2 (docking protein 2; minus strand). Cytogenetic location: 8p21.3.
Variant type: single nucleotide variant.
Coding change: c.1180T>G on transcript NM_003974.4 (MANE Select); coding-DNA position 1180, T replaced by G.
Protein change: p.Ser394Ala; replaces serine 394 with alanine.
Molecular consequence: missense variant.
Genome position (GRCh38, 1-based): chr8:21,909,370, A>C on the plus strand (T>G on the coding strand, the complement: DOK2 is on the minus strand). VCF-style: chr8-21909370-A-C. GRCh37 (hg19) VCF-style: chr8-21766881-A-C.
Other names: c.718T>G, p.Ser240Ala (NM_001317800.2, NM_201349.3); short protein forms S240A, S394A.
Identifiers: ClinVar variation 771423 (VCV000771423.5), dbSNP rs2242241, ClinGen allele CA4657996.